The following is an entry in ClinVar:

NM_001018005.2(TPM1):c.823G>C (p.Asp275His)

Gene: TPM1 (tropomyosin 1; plus strand). Cytogenetic location: 15q22.2.
Variant type: single nucleotide variant.
Coding change: c.823G>C on transcript NM_001018005.2 (MANE Select); coding-DNA position 823, G replaced by C.
Protein change: p.Asp275His; replaces aspartic acid 275 with histidine.
Molecular consequence: missense variant. On other transcripts: intron variant (12).
Genome position (GRCh38, 1-based): chr15:63,064,114, G>C. VCF-style: chr15-63064114-G-C. GRCh37 (hg19) VCF-style: chr15-63356313-G-C.
Other names: c.823G>C, p.Asp275His (NM_000366.6, NM_001301244.2, NM_001365779.1); c.715G>C, p.Asp239His (NM_001330346.2, NM_001365781.2, NM_001365782.1); c.898+1469G>C (NM_001365778.1); c.772+1469G>C (NM_001018020.2, NM_001018007.2, NM_001018006.2 and 3 more transcripts); c.664+1469G>C (NM_001330351.2, NM_001330344.2, NM_001018008.2 and 2 more transcripts); short protein forms D239H, D275H.
Identifiers: ClinVar variation 1001333 (VCV001001333.8), dbSNP rs2036002326, ClinGen allele CA392725173.

ClinVar aggregate classification (germline): Uncertain significance (1 of 4 stars; one submission).

Conditions:
Hypertrophic cardiomyopathy. Also called: HYPERTROPHIC MYOCARDIOPATHY. Identifiers: Orphanet 217569, MedGen C0007194, MeSH D002312, MONDO:0005045, HP:0001639.

Submission:

Labcorp Genetics (formerly Invitae), Labcorp
Classification: Uncertain significance for Hypertrophic cardiomyopathy. Last evaluated: 2025-01-05. Review status: criteria provided, single submitter. Criteria: Invitae Variant Classification Sherloc (09022015). Collection method: clinical testing. Allele origin: germline.
Comment: This sequence change replaces aspartic acid, which is acidic and polar, with histidine, which is basic and polar, at codon 275 of the TPM1 protein (p.Asp275His). This variant is not present in population databases (gnomAD no frequency). This missense change has been observed in individual(s) with left ventricular noncompaction (PMID: 26025024). ClinVar contains an entry for this variant (Variation ID: 1001333). An algorithm developed to predict the effect of missense changes on protein structure and function (PolyPhen-2) suggests that this variant is likely to be disruptive. In summary, the available evidence is currently insufficient to determine the role of this variant in disease. Therefore, it has been classified as a Variant of Uncertain Significance.

Literature cited by the submitters: PubMed 26025024.